The following is an entry in ClinVar:

ClinVar aggregate classification (germline): Uncertain significance (1 of 4 stars; one submission).

Conditions:
Early-infantile DEE. Also called: Ohtahara syndrome; Early infantile epileptic encephalopathy with suppression bursts; Early infantile epileptic encephalopathy. Identifiers: Orphanet 1934, MedGen C0393706, MONDO:0800491.

Allele frequency attached by ClinVar (database versions not stated): TOPMed below 0.00001; gnomAD exomes 0.00001.
gnomAD v4.1: 9 of 1,614,128 alleles (0.00056%); highest among the groups gnomAD compares: Non-Finnish European, 0.00068%; no homozygotes.

Submission:

Labcorp Genetics (formerly Invitae), Labcorp
Classification: Uncertain significance for Early-infantile DEE. Last evaluated: 2020-07-25. Review status: criteria provided, single submitter. Criteria: Invitae Variant Classification Sherloc (09022015). Collection method: clinical testing. Allele origin: germline.
Comment: In summary, the available evidence is currently insufficient to determine the role of this variant in disease. Therefore, it has been classified as a Variant of Uncertain Significance. Algorithms developed to predict the effect of missense changes on protein structure and function (SIFT, PolyPhen-2, Align-GVGD) all suggest that this variant is likely to be disruptive, but these predictions have not been confirmed by published functional studies and their clinical significance is uncertain. This variant has not been reported in the literature in individuals with SPTAN1-related conditions. This variant is not present in population databases (ExAC no frequency). This sequence change replaces arginine with cysteine at codon 839 of the SPTAN1 protein (p.Arg839Cys). The arginine residue is highly conserved and there is a large physicochemical difference between arginine and cysteine.

NM_001130438.3(SPTAN1):c.2515C>T (p.Arg839Cys)

Gene: SPTAN1 (spectrin alpha, non-erythrocytic 1; plus strand). Cytogenetic location: 9q34.11.
Variant type: single nucleotide variant.
Coding change: c.2515C>T on transcript NM_001130438.3 (MANE Select); coding-DNA position 2515, C replaced by T.
Protein change: p.Arg839Cys; replaces arginine 839 with cysteine.
Molecular consequence: missense variant.
Genome position (GRCh38, 1-based): chr9:128,584,798, C>T. VCF-style: chr9-128584798-C-T. GRCh37 (hg19) VCF-style: chr9-131347077-C-T.
Other names: c.2515C>T, p.Arg839Cys (NM_001195532.2, NM_001363759.2, NM_001363765.2 and 5 more transcripts); c.2551C>T, p.Arg851Cys (NM_001375312.2, NM_001375318.1); short protein forms R839C, R851C.
Identifiers: ClinVar variation 1008508 (VCV001008508.9), dbSNP rs999623213, ClinGen allele CA200381428.